The following is an entry in ClinVar:

NM_001145026.2(PTPRQ):c.6806T>A (p.Ile2269Asn)

Gene: PTPRQ (protein tyrosine phosphatase receptor type Q; plus strand). Cytogenetic location: 12q21.31.
Variant type: single nucleotide variant.
Coding change: c.6806T>A on transcript NM_001145026.2 (MANE Select); coding-DNA position 6806, T replaced by A.
Protein change: p.Ile2269Asn; replaces isoleucine 2269 with asparagine.
Molecular consequence: missense variant.
Genome position (GRCh38, 1-based): chr12:80,678,669, T>A. VCF-style: chr12-80678669-T-A. GRCh37 (hg19) VCF-style: chr12-81072448-T-A.
Other names: short protein forms I2269N.
Identifiers: ClinVar variation 4530997 (VCV004530997.1).

ClinVar aggregate classification (germline): Uncertain significance (1 of 4 stars; one submission).

Submission:

GeneDx
Classification: Uncertain significance. Last evaluated: 2025-05-21. Review status: criteria provided, single submitter. Criteria: GeneDx Variant Classification Process June 2021. Collection method: clinical testing. Allele origin: germline. Affected: yes.
Comment: Not observed at significant frequency in large population cohorts (gnomAD); In silico analysis supports that this missense variant has a deleterious effect on protein structure/function; Has not been previously published as pathogenic or benign to our knowledge